The following is an entry in ClinVar:

ClinVar aggregate classification (germline): Likely benign (1 of 4 stars; one submission).

gnomAD v4.1: 7 of 1,613,778 alleles (0.00043%); highest among the groups gnomAD compares: South Asian, 0.0055%; no homozygotes.

Submission:

CeGaT Center for Human Genetics Tuebingen
Classification: Likely benign. Last evaluated: 2022-05-01. Review status: criteria provided, single submitter. Criteria: CeGaT Center For Human Genetics Tuebingen Variant Classification Criteria Version 2. Collection method: clinical testing. Allele origin: germline. Affected: yes. Observed: 1 variant allele.
Comment: MUC4: BP4, BP7

NM_018406.7(MUC4):c.15243G>C (p.Pro5081=)

Gene: MUC4 (mucin 4, cell surface associated). Cytogenetic location: 3q29.
Variant type: single nucleotide variant.
Coding change: c.15243G>C on transcript NM_018406.7 (MANE Select); coding-DNA position 15243, G replaced by C.
Protein change: p.Pro5081=; no amino-acid change (proline 5081 retained).
Molecular consequence: synonymous variant.
Genome position (GRCh38, 1-based): chr3:195,754,298, C>G on the plus strand (G>C on the coding strand, the complement: MUC4 is on the minus strand). VCF-style: chr3-195754298-C-G. GRCh37 (hg19) VCF-style: chr3-195481169-C-G.
Other names: c.21261G>C, p.Pro7087= (NM_001322468.1); c.2535G>C, p.Pro845= (NM_004532.6); c.2382G>C, p.Pro794= (NM_138297.5).
Identifiers: ClinVar variation 2654373 (VCV002654373.24), dbSNP rs151202432, ClinGen allele CA2767610.